The following is an entry in ClinVar:

NM_000222.3(KIT):c.2605C>G (p.Pro869Ala)

Gene: KIT (KIT proto-oncogene, receptor tyrosine kinase; plus strand). Cytogenetic location: 4q12.
Variant type: single nucleotide variant.
Coding change: c.2605C>G on transcript NM_000222.3 (MANE Select); coding-DNA position 2605, C replaced by G.
Protein change: p.Pro869Ala; replaces proline 869 with alanine.
Molecular consequence: missense variant.
Genome position (GRCh38, 1-based): chr4:54,736,729, C>G. VCF-style: chr4-54736729-C-G. GRCh37 (hg19) VCF-style: chr4-55602895-C-G.
Other names: c.2593C>G, p.Pro865Ala (NM_001093772.2, NM_001385292.1); c.2608C>G, p.Pro870Ala (NM_001385284.1); c.2602C>G, p.Pro868Ala (NM_001385285.1); c.2590C>G, p.Pro864Ala (NM_001385286.1); c.2596C>G, p.Pro866Ala (NM_001385288.1); c.2605C>G, p.Pro869Ala (NM_001385290.1); short protein forms P864A, P865A, P866A, P868A, P869A, P870A.
Identifiers: ClinVar variation 1062801 (VCV001062801.9), dbSNP rs2109812271, ClinGen allele CA356913588.
Genomic context (GRCh38, chr4:54,736,729, plus strand): 5'-ATTGGTGTCCTGCTTCCTTGTGATTAACACTGCTTTGCAAACTGTGTCTCAGGAAGCAGC[C>G]CCTATCCTGGAATGCCGGTCGATTCTAAGTTCTACAAGATGATCAAGGAAGGCTTCCGGA-3'
Protein context (NP_000213.1, residues 859-879): LWELFSLGSS[Pro869Ala]YPGMPVDSKF

ClinVar aggregate classification (germline): Uncertain significance (1 of 4 stars; one submission).

Conditions:
Gastrointestinal stromal tumor. Also called: Gastrointestinal stromal tumor, somatic; Gastrointestinal stroma tumor. Identifiers: Orphanet 44890, MedGen C0238198, MeSH D046152, MONDO:0011719, OMIM 606764, HP:0100723.

Submission:

Labcorp Genetics (formerly Invitae), Labcorp
Classification: Uncertain significance for Gastrointestinal stromal tumor. Last evaluated: 2021-02-15. Review status: criteria provided, single submitter. Criteria: Invitae Variant Classification Sherloc (09022015). Collection method: clinical testing. Allele origin: germline.
Comment: In summary, the available evidence is currently insufficient to determine the role of this variant in disease. Therefore, it has been classified as a Variant of Uncertain Significance. Algorithms developed to predict the effect of missense changes on protein structure and function (SIFT, PolyPhen-2, Align-GVGD) all suggest that this variant is likely to be disruptive, but these predictions have not been confirmed by published functional studies and their clinical significance is uncertain. This variant has not been reported in the literature in individuals with KIT-related conditions. This variant is not present in population databases (ExAC no frequency). This sequence change replaces proline with alanine at codon 869 of the KIT protein (p.Pro869Ala). The proline residue is highly conserved and there is a small physicochemical difference between proline and alanine.